The following is an entry in ClinVar:

ClinVar aggregate classification (germline): Likely benign (1 of 4 stars; one submission).

Conditions:
GCM2-related disorder. Also called: GCM2-related condition.

Submission:

PreventionGenetics, part of Exact Sciences
Classification: Likely benign for GCM2-related condition. Last evaluated: 2025-09-10. Review status: criteria provided, single submitter. Criteria: ACMG Guidelines, 2015. Collection method: clinical testing. Allele origin: germline.
Comment: This variant is classified as likely benign based on ACMG/AMP sequence variant interpretation guidelines (Richards et al. 2015 PMID: 25741868, with internal and published modifications).

NM_004752.4(GCM2):c.343+6G>T

Gene: GCM2 (GCM transcription factor 2; minus strand). Cytogenetic location: 6p24.2.
Variant type: single nucleotide variant.
Coding change: c.343+6G>T on transcript NM_004752.4 (MANE Select); 6 bases into the intron after coding-DNA position 343, G replaced by T.
Molecular consequence: intron variant.
Genome position (GRCh38, 1-based): chr6:10,877,134, C>A on the plus strand (G>T on the coding strand, the complement: GCM2 is on the minus strand). VCF-style: chr6-10877134-C-A. GRCh37 (hg19) VCF-style: chr6-10877367-C-A.
Identifiers: ClinVar variation 4993932 (VCV004993932.1).